The following is an entry in ClinVar:

NM_001379291.1(BRD4):c.671C>T (p.Pro224Leu)

Gene: BRD4 (bromodomain containing 4; minus strand). Cytogenetic location: 19p13.12.
Variant type: single nucleotide variant.
Coding change: c.671C>T on transcript NM_001379291.1 (MANE Select); coding-DNA position 671, C replaced by T.
Protein change: p.Pro224Leu; replaces proline 224 with leucine.
Molecular consequence: missense variant.
Genome position (GRCh38, 1-based): chr19:15,265,532, G>A on the plus strand (C>T on the coding strand, the complement: BRD4 is on the minus strand). VCF-style: chr19-15265532-G-A. GRCh37 (hg19) VCF-style: chr19-15376343-G-A.
Other names: c.671C>T, p.Pro224Leu (NM_001330384.2, NM_001379292.1, NM_014299.3 and 1 more transcripts); short protein forms P224L.
Identifiers: ClinVar variation 3257117 (VCV003257117.17).

ClinVar aggregate classification (germline): Uncertain significance (1 of 4 stars; one submission).

gnomAD v4.1: 6 of 1,614,078 alleles (0.00037%); highest among the groups gnomAD compares: Non-Finnish European, 0.00051%; no homozygotes.

Submission:

CeGaT Center for Human Genetics Tuebingen
Classification: Uncertain significance. Last evaluated: 2024-07-01. Review status: criteria provided, single submitter. Criteria: CeGaT Center For Human Genetics Tuebingen Variant Classification Criteria Version 2. Collection method: clinical testing. Allele origin: germline. Affected: yes. Observed: 1 variant allele.
Comment: BRD4: PM2, BP4